The following is an entry in ClinVar:

NM_001282531.3(ADNP):c.948T>C (p.Ser316=)

Gene: ADNP (activity dependent neuroprotector homeobox; minus strand). Cytogenetic location: 20q13.13.
Variant type: single nucleotide variant.
Coding change: c.948T>C on transcript NM_001282531.3 (MANE Select); coding-DNA position 948, T replaced by C.
Protein change: p.Ser316=; no amino-acid change (serine 316 retained).
Molecular consequence: synonymous variant.
Genome position (GRCh38, 1-based): chr20:50,893,766, A>G on the plus strand (T>C on the coding strand, the complement: ADNP is on the minus strand). VCF-style: chr20-50893766-A-G. GRCh37 (hg19) VCF-style: chr20-49510303-A-G.
Other names: c.948T>C, p.Ser316= (NM_001282532.2, NM_001347511.2, NM_015339.5 and 1 more transcripts).
Identifiers: ClinVar variation 2652403 (VCV002652403.24), dbSNP rs2515588519, ClinGen allele CA511022436.
Genomic context (GRCh38, chr20:50,893,766, plus strand): 5'-AGATTTGACTCCATAGTTGTTCTGCTGCAGATGAACACTGGACATCATGTTGACTCCTGT[A>G]GAATTTAAGTTAGGCTTTGGTATTGAGAGTCGATTCACCATCTGCTGTGATGGTAAAGAC-3'
Protein context (NP_001269460.1, residues 306-326): RLSIPKPNLN[Ser316=]TGVNMMSSVH

ClinVar aggregate classification (germline): Likely benign (1 of 4 stars; one submission).

Submission:

CeGaT Center for Human Genetics Tuebingen
Classification: Likely benign. Last evaluated: 2023-05-01. Review status: criteria provided, single submitter. Criteria: CeGaT Center For Human Genetics Tuebingen Variant Classification Criteria Version 2. Collection method: clinical testing. Allele origin: germline. Affected: yes. Observed: 1 variant allele.
Comment: ADNP: PM2:Supporting, BP4, BP7